The following is an entry in ClinVar:

ClinVar aggregate classification (germline): Uncertain significance (1 of 4 stars; one submission).

Allele frequency attached by ClinVar (database versions not stated): gnomAD exomes below 0.00001; TOPMed 0.00001.
gnomAD v4.1: 3 of 1,614,094 alleles (0.00019%); highest among the groups gnomAD compares: African/African-American, 0.0013%; no homozygotes.

Submission:

GeneDx
Classification: Uncertain significance. Last evaluated: 2020-01-24. Review status: criteria provided, single submitter. Criteria: GeneDx Variant Classification Process June 2021. Collection method: clinical testing. Allele origin: germline. Affected: yes.
Comment: Has not been previously published as pathogenic or benign to our knowledge; Not observed at a significant frequency in large population cohorts (Lek et al., 2016); In silico analysis, which includes protein predictors and evolutionary conservation, supports that this variant does not alter protein structure/function

NM_182961.4(SYNE1):c.4522C>A (p.Gln1508Lys)

Gene: SYNE1 (spectrin repeat containing nuclear envelope protein 1; minus strand). Cytogenetic location: 6q25.2.
Variant type: single nucleotide variant.
Coding change: c.4522C>A on transcript NM_182961.4 (MANE Select); coding-DNA position 4522, C replaced by A.
Protein change: p.Gln1508Lys; replaces glutamine 1508 with lysine.
Molecular consequence: missense variant.
Genome position (GRCh38, 1-based): chr6:152,430,649, G>T on the plus strand (C>A on the coding strand, the complement: SYNE1 is on the minus strand). VCF-style: chr6-152430649-G-T. GRCh37 (hg19) VCF-style: chr6-152751784-G-T.
Other names: c.4543C>A, p.Gln1515Lys (NM_033071.5); short protein forms Q1508K, Q1515K.
Identifiers: ClinVar variation 1218564 (VCV001218564.3), dbSNP rs1289081599, ClinGen allele CA366143015.
Genomic context (GRCh38, chr6:152,430,649, plus strand): 5'-GTGTCAACTTGGCTTTAATTCGAGCAGATTCTCCAGTGGTAACAAACTGAGCAAAAGACT[G>T]GGCTTCTTCTTCTAATCCTACAATGCTGCTGAGCTTACTTTCTATTTCCTGAATTGTGAC-3'
Protein context (NP_892006.3, residues 1498-1518): SSIVGLEEEA[Gln1508Lys]SFAQFVTTGE